The following is an entry in ClinVar:

NM_198271.5(LMOD3):c.1312A>G (p.Lys438Glu)

Gene: LMOD3 (leiomodin 3; minus strand). Cytogenetic location: 3p14.1.
Variant type: single nucleotide variant.
Coding change: c.1312A>G on transcript NM_198271.5 (MANE Select); coding-DNA position 1312, A replaced by G.
Protein change: p.Lys438Glu; replaces lysine 438 with glutamic acid.
Molecular consequence: missense variant.
Genome position (GRCh38, 1-based): chr3:69,119,043, T>C on the plus strand (A>G on the coding strand, the complement: LMOD3 is on the minus strand). VCF-style: chr3-69119043-T-C. GRCh37 (hg19) VCF-style: chr3-69168194-T-C.
Other names: c.1312A>G, p.Lys438Glu (NM_001304418.3); short protein forms K438E.
Identifiers: ClinVar variation 1923276 (VCV001923276.5), dbSNP rs2471247092, ClinGen allele CA353471503.
Genomic context (GRCh38, chr3:69,119,043, plus strand): 5'-GGGGGTTGGGAGGCCGAGGTGGCGGTGGCTGGAAGAATTCCTGCATTCTGGAATCTGGCT[T>C]GGGTCCTCCCAACAGCTCCCACATCCCAGGGGGCAGCCCCAACCCATTCTCTAACATGGC-3'
Protein context (NP_938012.2, residues 428-448): PGMWELLGGP[Lys438Glu]PDSRMQEFFQ

ClinVar aggregate classification (germline): Uncertain significance (1 of 4 stars; one submission).

Conditions:
Nemaline myopathy 10 (NEM10). Identifiers: MedGen C4015360, MONDO:0014513, OMIM 616165.

Submission:

Labcorp Genetics (formerly Invitae), Labcorp
Classification: Uncertain significance for Nemaline myopathy 10. Last evaluated: 2022-03-08. Review status: criteria provided, single submitter. Criteria: Invitae Variant Classification Sherloc (09022015). Collection method: clinical testing. Allele origin: germline.
Comment: In summary, the available evidence is currently insufficient to determine the role of this variant in disease. Therefore, it has been classified as a Variant of Uncertain Significance. Algorithms developed to predict the effect of missense changes on protein structure and function are either unavailable or do not agree on the potential impact of this missense change (SIFT: "Deleterious"; PolyPhen-2: "Benign"; Align-GVGD: "Class C0"). This variant has not been reported in the literature in individuals affected with LMOD3-related conditions. This variant is not present in population databases (gnomAD no frequency). This sequence change replaces lysine, which is basic and polar, with glutamic acid, which is acidic and polar, at codon 438 of the LMOD3 protein (p.Lys438Glu).